The following is an entry in ClinVar:

ClinVar aggregate classification (germline): Uncertain significance. Review status: criteria provided, multiple submitters, no conflicts (2 of 4 stars). 4 submissions from 4 submitters: Uncertain significance (4). Last evaluated 2025-06-17.

Conditions:
Cardiovascular phenotype. Identifiers: MedGen CN230736.
Long QT syndrome (LQTS). Identifiers: MedGen C0023976, MeSH D008133, MONDO:0002442. Disease mechanism: loss of function. Inheritance: Various modes of inheritance.
Atrial fibrillation, familial, 3 (ATFB3). Identifiers: MedGen C1837014, MONDO:0011857, OMIM 607554.
Beckwith-Wiedemann syndrome (BWS). Also called: EMG SYNDROME; Exomphalos macroglossia gigantism syndrome. Identifiers: Orphanet 116, MedGen C0004903, MONDO:0007534, OMIM 130650.
Jervell and Lange-Nielsen syndrome 1 (JLNS1). Also called: PROLONGED QT INTERVAL IN EKG AND SUDDEN DEATH; SURDO-CARDIAC SYNDROME; CARDIOAUDITORY SYNDROME OF JERVELL AND LANGE-NIELSEN; DEAFNESS, CONGENITAL, AND FUNCTIONAL HEART DISEASE. Identifiers: Orphanet 768, Orphanet 90647, MedGen C4551509, MONDO:0024540, OMIM 220400.
Short QT syndrome type 2. Identifiers: Orphanet 51083, MedGen C1865019, MONDO:0012313, OMIM 609621.
Long QT syndrome 1 (LQT1). Identifiers: Orphanet 101016, Orphanet 768, MedGen C4551647, MONDO:0100316, OMIM 192500, MONDO:0008646.

Allele frequency attached by ClinVar (database versions not stated): gnomAD exomes 0.00001; ExAC 0.00003; TOPMed 0.00003; gnomAD 0.00004 and 0.00005.
gnomAD v4.1: 24 of 1,590,868 alleles (0.0015%); highest among the groups gnomAD compares: African/African-American, 0.0027%; no homozygotes.

Submissions (4):

Labcorp Genetics (formerly Invitae), Labcorp
Classification: Uncertain significance for Long QT syndrome. Last evaluated: 2025-06-17. Review status: criteria provided, single submitter. Criteria: Invitae Variant Classification Sherloc (09022015). Collection method: clinical testing. Allele origin: germline.
Comment: This sequence change replaces proline, which is neutral and non-polar, with leucine, which is neutral and non-polar, at codon 81 of the KCNQ1 protein (p.Pro81Leu). The frequency data for this variant in the population databases is considered unreliable, as metrics indicate poor data quality at this position in the gnomAD database. This variant has not been reported in the literature in individuals affected with KCNQ1-related conditions. ClinVar contains an entry for this variant (Variation ID: 200875). Invitae Evidence Modeling of protein sequence and biophysical properties (such as structural, functional, and spatial information, amino acid conservation, physicochemical variation, residue mobility, and thermodynamic stability) indicates that this missense variant is not expected to disrupt KCNQ1 protein function with a negative predictive value of 95%. In summary, the available evidence is currently insufficient to determine the role of this variant in disease. Therefore, it has been classified as a Variant of Uncertain Significance.

GeneDx
Classification: Uncertain significance. Last evaluated: 2025-01-16. Review status: criteria provided, single submitter. Criteria: GeneDx Variant Classification Process June 2021. Collection method: clinical testing. Allele origin: germline. Affected: yes.
Comment: Not observed at significant frequency in large population cohorts (gnomAD); In silico analysis indicates that this missense variant does not alter protein structure/function; Has not been previously published as pathogenic or benign to our knowledge

Ambry Genetics
Classification: Uncertain significance for Cardiovascular phenotype. Last evaluated: 2022-10-12. Review status: criteria provided, single submitter. Criteria: Ambry Variant Classification Scheme 2023. Collection method: clinical testing. Allele origin: germline.
Comment: The p.P81L variant (also known as c.242C>T), located in coding exon 1 of the KCNQ1 gene, results from a C to T substitution at nucleotide position 242. The proline at codon 81 is replaced by leucine, an amino acid with similar properties. This amino acid position is not well conserved in available vertebrate species. In addition, the in silico prediction for this alteration is inconclusive. Since supporting evidence is limited at this time, the clinical significance of this alteration remains unclear.

Fulgent Genetics
Classification: Uncertain significance for Beckwith-Wiedemann syndrome; Long QT syndrome 1; Jervell and Lange-Nielsen syndrome 1; Atrial fibrillation, familial, 3; Short QT syndrome type 2. Last evaluated: 2022-04-07. Review status: criteria provided, single submitter. Criteria: ACMG Guidelines, 2015. Collection method: clinical testing. Allele origin: unknown.

NM_000218.3(KCNQ1):c.242C>T (p.Pro81Leu)

Gene: KCNQ1 (potassium voltage-gated channel subfamily Q member 1; plus strand). Cytogenetic location: 11p15.5.
Variant type: single nucleotide variant.
Coding change: c.242C>T on transcript NM_000218.3 (MANE Select); coding-DNA position 242, C replaced by T.
Protein change: p.Pro81Leu; replaces proline 81 with leucine.
Molecular consequence: missense variant.
Genome position (GRCh38, 1-based): chr11:2,445,340, C>T. VCF-style: chr11-2445340-C-T. GRCh37 (hg19) VCF-style: chr11-2466570-C-T.
Other names: p.P81L:CCG>CTG; short protein forms P81L.
Identifiers: ClinVar variation 200875 (VCV000200875.11), dbSNP rs771921468, ClinGen allele CA006744.
Genomic context (GRCh38, chr11:2,445,340, plus strand): 5'-CCGCGCCCCCTGCGTCCCCGGCCGCGCCCGCCGCGCCCCCAGTTGCCTCCGACCTTGGCC[C>T]GCGGCCGCCGGTGAGCCTAGACCCGCGCGTCTCCATCTACAGCACGCGCCGCCCGGTGTT-3'
Protein context (NP_000209.2, residues 71-91): AAPPVASDLG[Pro81Leu]RPPVSLDPRV